The following is an entry in ClinVar:

NM_001370466.1(NOD2):c.2156T>C (p.Leu719Pro)

Gene: NOD2 (nucleotide binding oligomerization domain containing 2; plus strand). Cytogenetic location: 16q12.1.
Variant type: single nucleotide variant.
Coding change: c.2156T>C on transcript NM_001370466.1 (MANE Select); coding-DNA position 2156, T replaced by C.
Protein change: p.Leu719Pro; replaces leucine 719 with proline.
Molecular consequence: missense variant. On other transcripts: non-coding transcript variant (1).
Genome position (GRCh38, 1-based): chr16:50,712,148, T>C. VCF-style: chr16-50712148-T-C. GRCh37 (hg19) VCF-style: chr16-50746059-T-C.
Other names: c.2156T>C, p.Leu719Pro (NM_001293557.2); c.2237T>C, p.Leu746Pro (NM_022162.3); short protein forms L719P, L746P.
Identifiers: ClinVar variation 1902929 (VCV001902929.5), dbSNP rs1208002758, ClinGen allele CA395871469.

ClinVar aggregate classification (germline): Uncertain significance (1 of 4 stars; one submission).

Conditions:
Regional enteritis. Also called: Enteritis, Granulomatous. Identifiers: MedGen C0678202, MeSH D003424.
Blau syndrome (BLAUS). Also called: ARTHROCUTANEOUVEAL GRANULOMATOSIS; GRANULOMATOSIS, FAMILIAL JUVENILE SYSTEMIC; GRANULOMATOSIS, FAMILIAL, BLAU TYPE; GRANULOMATOUS INFLAMMATORY ARTHRITIS, DERMATITIS, AND UVEITIS, FAMILIAL; JABS SYNDROME. Identifiers: Orphanet 90340, MedGen C5201146, MONDO:0008523, OMIM 186580.

Allele frequency attached by ClinVar (database versions not stated): gnomAD exomes below 0.00001; TOPMed 0.00002; gnomAD 0.00003.
gnomAD v4.1: 6 of 1,614,010 alleles (0.00037%); highest among the groups gnomAD compares: Admixed American, 0.005%; no homozygotes.

Submission:

Labcorp Genetics (formerly Invitae), Labcorp
Classification: Uncertain significance for Regional enteritis; Blau syndrome. Last evaluated: 2024-10-30. Review status: criteria provided, single submitter. Criteria: Invitae Variant Classification Sherloc (09022015). Collection method: clinical testing. Allele origin: germline.
Comment: This sequence change replaces leucine, which is neutral and non-polar, with proline, which is neutral and non-polar, at codon 746 of the NOD2 protein (p.Leu746Pro). This variant is present in population databases (no rsID available, gnomAD 0.003%). This variant has not been reported in the literature in individuals affected with NOD2-related conditions. ClinVar contains an entry for this variant (Variation ID: 1902929). Invitae Evidence Modeling of protein sequence and biophysical properties (such as structural, functional, and spatial information, amino acid conservation, physicochemical variation, residue mobility, and thermodynamic stability) has been performed for this missense variant. However, the output from this modeling did not meet the statistical confidence thresholds required to predict the impact of this variant on NOD2 protein function. In summary, the available evidence is currently insufficient to determine the role of this variant in disease. Therefore, it has been classified as a Variant of Uncertain Significance.